The following is an entry in ClinVar:

NM_004943.2(DMWD):c.1620C>T (p.His540=)

Gene: DMWD (DM1 locus, WD repeat containing; minus strand). Cytogenetic location: 19q13.32.
Variant type: single nucleotide variant.
Coding change: c.1620C>T on transcript NM_004943.2 (MANE Select); coding-DNA position 1620, C replaced by T.
Protein change: p.His540=; no amino-acid change (histidine 540 retained).
Molecular consequence: synonymous variant.
Genome position (GRCh38, 1-based): chr19:45,785,876, G>A on the plus strand (C>T on the coding strand, the complement: DMWD is on the minus strand). VCF-style: chr19-45785876-G-A. GRCh37 (hg19) VCF-style: chr19-46289134-G-A.
Identifiers: ClinVar variation 2650130 (VCV002650130.24), dbSNP rs1162764816, ClinGen allele CA507964253.

ClinVar aggregate classification (germline): Likely benign (1 of 4 stars; one submission).

Allele frequency attached by ClinVar (database versions not stated): gnomAD exomes below 0.00001.

Submission:

CeGaT Center for Human Genetics Tuebingen
Classification: Likely benign. Last evaluated: 2022-12-01. Review status: criteria provided, single submitter. Criteria: CeGaT Center For Human Genetics Tuebingen Variant Classification Criteria Version 2. Collection method: clinical testing. Allele origin: germline. Affected: yes. Observed: 1 variant allele.
Comment: DMWD: BP4, BP7